The following is an entry in ClinVar:

ClinVar aggregate classification (germline): Uncertain significance (1 of 4 stars; one submission).

Conditions:
Hyperkalemic periodic paralysis. Also called: Familial hyperkalemic periodic paralysis; Gamstorp disease. Identifiers: Orphanet 682, MedGen C0238357, MONDO:0008224, OMIM 170500, HP:0007215.

Submission:

Labcorp Genetics (formerly Invitae), Labcorp
Classification: Uncertain significance for Hyperkalemic periodic paralysis. Last evaluated: 2023-07-11. Review status: criteria provided, single submitter. Criteria: Invitae Variant Classification Sherloc (09022015). Collection method: clinical testing. Allele origin: germline.
Comment: This sequence change replaces asparagine, which is neutral and polar, with lysine, which is basic and polar, at codon 303 of the SCN4A protein (p.Asn303Lys). This variant is present in population databases (no rsID available, gnomAD 0.01%). This variant has not been reported in the literature in individuals affected with SCN4A-related conditions. Advanced modeling of protein sequence and biophysical properties (such as structural, functional, and spatial information, amino acid conservation, physicochemical variation, residue mobility, and thermodynamic stability) has been performed at Invitae for this missense variant, however the output from this modeling did not meet the statistical confidence thresholds required to predict the impact of this variant on SCN4A protein function. In summary, the available evidence is currently insufficient to determine the role of this variant in disease. Therefore, it has been classified as a Variant of Uncertain Significance.

NM_000334.4(SCN4A):c.909T>A (p.Asn303Lys)

Gene: SCN4A (sodium voltage-gated channel alpha subunit 4; minus strand). Cytogenetic location: 17q23.3.
Variant type: single nucleotide variant.
Coding change: c.909T>A on transcript NM_000334.4 (MANE Select); coding-DNA position 909, T replaced by A.
Protein change: p.Asn303Lys; replaces asparagine 303 with lysine.
Molecular consequence: missense variant.
Genome position (GRCh38, 1-based): chr17:63,968,150, A>T on the plus strand (T>A on the coding strand, the complement: SCN4A is on the minus strand). VCF-style: chr17-63968150-A-T. GRCh37 (hg19) VCF-style: chr17-62045510-A-T.
Other names: short protein forms N303K.
Identifiers: ClinVar variation 2989891 (VCV002989891.3), dbSNP rs1366904045, ClinGen allele CA400637434.